The following is an entry in ClinVar:

NM_001039591.3(USP9X):c.4861C>G (p.Pro1621Ala)

Gene: USP9X (ubiquitin specific peptidase 9 X-linked; plus strand). Cytogenetic location: Xp11.4.
Variant type: single nucleotide variant.
Coding change: c.4861C>G on transcript NM_001039591.3 (MANE Select); coding-DNA position 4861, C replaced by G.
Protein change: p.Pro1621Ala; replaces proline 1621 with alanine.
Molecular consequence: missense variant.
Genome position (GRCh38, 1-based): chrX:41,205,339, C>G. VCF-style: chrX-41205339-C-G. GRCh37 (hg19) VCF-style: chrX-41064592-C-G.
Other names: c.4861C>G, p.Pro1621Ala (NM_001039590.3); c.4876C>G, p.Pro1626Ala (NM_001410748.1, NM_001410749.1, NM_001437534.1); short protein forms P1621A, P1626A.
Identifiers: ClinVar variation 5037728 (VCV005037728.1).

ClinVar aggregate classification (germline): Uncertain significance (1 of 4 stars; one submission).

Submission:

GeneDx
Classification: Uncertain significance. Last evaluated: 2026-04-16. Review status: criteria provided, single submitter. Criteria: GeneDx Variant Classification Process June 2021. Collection method: clinical testing. Allele origin: germline.
Comment: Not observed at significant frequency in large population cohorts (gnomAD); In silico analysis suggests that this missense variant does not alter protein structure/function; Has not been previously published as pathogenic or benign to our knowledge; This variant is associated with the following publications: (PMID: 27535533)